The following is an entry in ClinVar:

ClinVar aggregate classification (germline): Likely pathogenic. Review status: criteria provided, multiple submitters, no conflicts (2 of 4 stars). 3 submissions from 3 submitters: Likely pathogenic (2). 1 of the submissions does not count toward it. Last evaluated 2025-10-02.

Conditions:
Primary hyperoxaluria type 3. Also called: PH III. Identifiers: Orphanet 416, Orphanet 93600, MedGen C3150878, MONDO:0013327, OMIM 613616. Disease mechanism: loss of function.

Allele frequency attached by ClinVar (database versions not stated): gnomAD exomes 0.00001.

Submissions (3):

Natera, Inc.
Classification: Likely pathogenic for Primary hyperoxaluria type III. Last evaluated: 2025-10-02. Review status: criteria provided, single submitter. Criteria: Natera Variant Classification Schema (03/2026). Collection method: clinical testing. Allele origin: germline.
Comment: The c.875T>C variant in HOGA1 is a missense variant predicted to cause substitution of methionine to threonine at amino acid 292. This variant is rare in the general population with a frequency below the threshold expected for the associated phenotype(s). This variant has been observed in one or more individuals affected with the associated recessive disease, as either homozygous or compound heterozygous with a second variant (PMID: 25629080, 25644115). This variant has been identified in one or more affected individual with a phenotype highly consistent with the associated gene (PMID: 25629080). Computational prediction algorithms indicate this variant is likely to affect gene or protein function. Given the available evidence, this variant is classified as Likely Pathogenic.

Fulgent Genetics
Classification: Likely pathogenic for Primary hyperoxaluria type 3. Last evaluated: 2024-01-29. Review status: criteria provided, single submitter. Criteria: ACMG Guidelines, 2015. Collection method: clinical testing. Allele origin: germline.

Clinical Biochemistry Laboratory, Health Services Laboratory
Classification: Pathogenic for Primary hyperoxaluria, type III. Last evaluated: 2014-11-27. Review status: no assertion criteria provided. Collection method: in vitro. Allele origin: germline. Affected: yes. Not counted in ClinVar's aggregate classification.
Comment: Negligible activity in vitro (Williams & Rumsby, unpublished)

Literature cited by the submitters: PubMed 25629080 (cited by Natera, Inc.); PubMed 25644115 (cited by Natera, Inc.); PubMed 22391140 (cited by Clinical Biochemistry Laboratory, Health Services Laboratory).

NM_138413.4(HOGA1):c.875T>C (p.Met292Thr)

Gene: HOGA1 (4-hydroxy-2-oxoglutarate aldolase 1; plus strand). Cytogenetic location: 10q24.2.
Variant type: single nucleotide variant.
Coding change: c.875T>C on transcript NM_138413.4 (MANE Select); coding-DNA position 875, T replaced by C.
Protein change: p.Met292Thr; replaces methionine 292 with threonine.
Molecular consequence: missense variant.
Genome position (GRCh38, 1-based): chr10:97,611,550, T>C. VCF-style: chr10-97611550-T-C. GRCh37 (hg19) VCF-style: chr10-99371307-T-C.
Other names: c.386T>C, p.Met129Thr (NM_001134670.2); short protein forms M292T, M129T.
Identifiers: ClinVar variation 204278 (VCV000204278.3), dbSNP rs796052087, ClinGen allele CA203966.